The following is an entry in ClinVar:

ClinVar aggregate classification (germline): Benign/Likely benign. Review status: criteria provided, multiple submitters, no conflicts (2 of 4 stars). 3 submissions from 3 submitters: Benign (1); Likely benign (2). Last evaluated 2025-06-04.

Conditions:
Hereditary cancer-predisposing syndrome. Also called: Hereditary neoplastic syndrome; Neoplastic Syndromes, Hereditary; Tumor predisposition; Hereditary Cancer Syndrome. Identifiers: Orphanet 140162, MedGen C0027672, MeSH D009386, MONDO:0015356.
Tuberous sclerosis 2 (TSC2). Identifiers: Orphanet 805, MedGen C1860707, MONDO:0013199, OMIM 613254.

Allele frequency attached by ClinVar (database versions not stated): gnomAD exomes below 0.00001.
gnomAD v4.1: 1 of 1,612,908 alleles (0.000062%); highest among the groups gnomAD compares: Non-Finnish European, 0.000085%; no homozygotes.

Submissions (3):

Myriad Genetics, Inc.
Classification: Benign for Tuberous sclerosis 2. Last evaluated: 2025-06-04. Review status: criteria provided, single submitter. Criteria: Myriad Autosomal Dominant, Autosomal Recessive and X-Linked Classification Criteria (2023). Collection method: clinical testing. Allele origin: unknown.
Comment: This variant is considered benign. This variant is a silent/synonymous amino acid change and it is not expected to impact splicing.

Labcorp Genetics (formerly Invitae), Labcorp
Classification: Likely benign for Tuberous sclerosis 2. Last evaluated: 2023-09-14. Review status: criteria provided, single submitter. Criteria: Invitae Variant Classification Sherloc (09022015). Collection method: clinical testing. Allele origin: germline.

Ambry Genetics
Classification: Likely benign for Hereditary cancer-predisposing syndrome. Last evaluated: 2020-02-06. Review status: criteria provided, single submitter. Criteria: Ambry Variant Classification Scheme 2023. Collection method: clinical testing. Allele origin: germline.

NM_000548.5(TSC2):c.4752G>A (p.Leu1584=)

Gene: TSC2 (TSC complex subunit 2; plus strand). Cytogenetic location: 16p13.3.
Variant type: single nucleotide variant.
Coding change: c.4752G>A on transcript NM_000548.5 (MANE Select); coding-DNA position 4752, G replaced by A.
Protein change: p.Leu1584=; no amino-acid change (leucine 1584 retained).
Molecular consequence: synonymous variant.
Genome position (GRCh38, 1-based): chr16:2,086,282, G>A. VCF-style: chr16-2086282-G-A. GRCh37 (hg19) VCF-style: chr16-2136283-G-A.
Other names: c.4551G>A, p.Leu1517= (NM_001077183.3); c.4683G>A, p.Leu1561= (NM_001114382.3); c.4443G>A, p.Leu1481= (NM_001318827.2); c.4407G>A, p.Leu1469= (NM_001318829.2); c.4020G>A, p.Leu1340= (NM_001318831.2); c.4584G>A, p.Leu1528= (NM_001318832.2); c.4554G>A, p.Leu1518= (NM_001363528.2); c.4620G>A, p.Leu1540= (NM_001370404.1); and 1 more.
Identifiers: ClinVar variation 468109 (VCV000468109.14), dbSNP rs1555516171, ClinGen allele CA493043548.